The following is an entry in ClinVar:

NM_024422.6(DSC2):c.1057C>G (p.Pro353Ala)

Gene: DSC2 (desmocollin 2; minus strand). Cytogenetic location: 18q12.1.
Variant type: single nucleotide variant.
Coding change: c.1057C>G on transcript NM_024422.6 (MANE Select); coding-DNA position 1057, C replaced by G.
Protein change: p.Pro353Ala; replaces proline 353 with alanine.
Molecular consequence: missense variant.
Genome position (GRCh38, 1-based): chr18:31,082,946, G>C on the plus strand (C>G on the coding strand, the complement: DSC2 is on the minus strand). VCF-style: chr18-31082946-G-C. GRCh37 (hg19) VCF-style: chr18-28662912-G-C.
Other names: c.1057C>G, p.Pro353Ala (NM_004949.5); short protein forms P353A.
Identifiers: ClinVar variation 922046 (VCV000922046.6), dbSNP rs999869714, ClinGen allele CA402110393.

ClinVar aggregate classification (germline): Uncertain significance. Review status: criteria provided, multiple submitters, no conflicts (2 of 4 stars). 2 submissions from 2 submitters: Uncertain significance (2). Last evaluated 2025-09-22.

Conditions:
Cardiomyopathy (CMYO). Also called: Cardiomyopathies. Identifiers: Orphanet 167848, MedGen C0878544, MONDO:0004994, HP:0001638. Inheritance: Various modes of inheritance.
Arrhythmogenic right ventricular dysplasia 11. Also called: ARRHYTHMOGENIC RIGHT VENTRICULAR DYSPLASIA, FAMILIAL, 11; Arrhythmogenic Right Ventricular Dysplasia/Cardiomyopathy11; Arrhythmogenic right ventricular dysplasia 11 with mild palmoplantar keratoderma and woolly hair. Identifiers: MedGen C1864850, MONDO:0012506, OMIM 610476.

Submissions (2):

Labcorp Genetics (formerly Invitae), Labcorp
Classification: Uncertain significance for Arrhythmogenic right ventricular dysplasia 11. Last evaluated: 2025-09-22. Review status: criteria provided, single submitter. Criteria: Invitae Variant Classification Sherloc (09022015). Collection method: clinical testing. Allele origin: germline.
Comment: This sequence change replaces proline, which is neutral and non-polar, with alanine, which is neutral and non-polar, at codon 353 of the DSC2 protein (p.Pro353Ala). This variant is not present in population databases (gnomAD no frequency). This variant has not been reported in the literature in individuals affected with DSC2-related conditions. ClinVar contains an entry for this variant (Variation ID: 922046). Invitae Evidence Modeling of protein sequence and biophysical properties (such as structural, functional, and spatial information, amino acid conservation, physicochemical variation, residue mobility, and thermodynamic stability) indicates that this missense variant is expected to disrupt DSC2 protein function with a positive predictive value of 80%. In summary, the available evidence is currently insufficient to determine the role of this variant in disease. Therefore, it has been classified as a Variant of Uncertain Significance.

Color Diagnostics, LLC DBA Color Health
Classification: Uncertain significance for Cardiomyopathy. Last evaluated: 2023-12-05. Review status: criteria provided, single submitter. Criteria: ACMG Guidelines, 2015. Collection method: clinical testing. Allele origin: germline.
Comment: Variant of Uncertain Significance due to insufficient evidence: This missense variant is located in the extracellular cadherin domain 2 of the DSC2 protein. Computational prediction tools and conservation analyses suggest that this variant may have deleterious impact on the protein function. Computational splicing tools suggest that this variant may not impact RNA splicing. To our knowledge, functional assays have not been performed for this variant nor has this variant been reported in individuals affected with cardiovascular disorders in the literature. This variant is rare in the general population and has been identified in 0/277264 chromosomes by the Genome Aggregation Database (gnomAD). Available evidence is insufficient to determine the pathogenicity of this variant conclusively.